The following is an entry in ClinVar:

NM_001375380.1(EBF3):c.971_978dup (p.Thr327delinsSerLysTer)

Genes: EBF3 (EBF transcription factor 3; minus strand), EBF3-AS1 (EBF3 antisense RNA 1; plus strand). Cytogenetic location: 10q26.3.
Variant type: Duplication.
Coding change: c.971_978dup on transcript NM_001375380.1 (MANE Select); coding-DNA positions 971 to 978, 8 bases duplicated (TCGAAGTG; older notation c.971_978dupTCGAAGTG).
Protein change: p.Thr327delinsSerLysTer.
Molecular consequence: nonsense.
Genome position (GRCh38, 1-based): chr10:129,867,202-129,867,209, CACTTCGA duplicated on the plus strand (TCGAAGTG on the coding strand, the reverse complement: EBF3 is on the minus strand); duplicating any 8 consecutive bases within chr10:129,867,202-129,867,210 gives the same sequence; the c. name uses the placement nearest the transcript's 3' end. VCF-style (leftmost placement, unchanged base first): chr10-129867201-T-TCACTTCGA. GRCh37 (hg19) VCF-style: chr10-131665465-T-TCACTTCGA.
Other names: c.951_952insTCGAAGTG (NM_001005463.3); c.971_978dup, p.Thr327delinsSerLysTer (NM_001375379.1, NM_001375389.1, NM_001375391.1); c.944_951dup, p.Thr318delinsSerLysTer (NM_001005463.3, NM_001375390.1, NM_001375392.1).
Identifiers: ClinVar variation 1690414 (VCV001690414.2), dbSNP rs2134076706, ClinGen allele CA2573145597.

ClinVar aggregate classification (germline): Likely pathogenic (1 of 4 stars; one submission).

Submission:

Laboratorio de Genetica e Diagnostico Molecular, Hospital Israelita Albert Einstein
Classification: Likely pathogenic. Last evaluated: 2021-06-22. Review status: criteria provided, single submitter. Criteria: ACMG Guidelines, 2015. Collection method: clinical testing. Allele origin: germline. Affected: yes.
Comment: ACMG classification criteria: PVS1, PM2